The following is an entry in ClinVar:

ClinVar aggregate classification (germline): Uncertain significance (1 of 4 stars; one submission).

gnomAD v4.1: 2 of 1,613,858 alleles (0.00012%); highest among the groups gnomAD compares: Non-Finnish European, 0.00017%; no homozygotes.

Submission:

Labcorp Genetics (formerly Invitae), Labcorp
Classification: Uncertain significance. Last evaluated: 2024-06-05. Review status: criteria provided, single submitter. Criteria: Invitae Variant Classification Sherloc (09022015). Collection method: clinical testing. Allele origin: germline.
Comment: This sequence change replaces serine, which is neutral and polar, with phenylalanine, which is neutral and non-polar, at codon 554 of the ABL1 protein (p.Ser554Phe). This variant is not present in population databases (gnomAD no frequency). This variant has not been reported in the literature in individuals affected with ABL1-related conditions. Advanced modeling of protein sequence and biophysical properties (such as structural, functional, and spatial information, amino acid conservation, physicochemical variation, residue mobility, and thermodynamic stability) performed at Invitae indicates that this missense variant is not expected to disrupt ABL1 protein function with a negative predictive value of 95%. In summary, the available evidence is currently insufficient to determine the role of this variant in disease. Therefore, it has been classified as a Variant of Uncertain Significance.

NM_005157.6(ABL1):c.1604C>T (p.Ser535Phe)

Gene: ABL1 (ABL proto-oncogene 1, non-receptor tyrosine kinase; plus strand). Cytogenetic location: 9q34.12.
Variant type: single nucleotide variant.
Coding change: c.1604C>T on transcript NM_005157.6 (MANE Select); coding-DNA position 1604, C replaced by T.
Protein change: p.Ser535Phe; replaces serine 535 with phenylalanine.
Molecular consequence: missense variant.
Genome position (GRCh38, 1-based): chr9:130,880,590, C>T. VCF-style: chr9-130880590-C-T. GRCh37 (hg19) VCF-style: chr9-133755977-C-T.
Other names: c.1661C>T, p.Ser554Phe (NM_007313.3); short protein forms S535F, S554F.
Identifiers: ClinVar variation 3624515 (VCV003624515.2).